The following is an entry in ClinVar:

NM_001378454.1(ALMS1):c.5165A>T (p.Tyr1722Phe)

Gene: ALMS1 (ALMS1 centrosome and basal body associated protein; plus strand). Cytogenetic location: 2p13.1.
Variant type: single nucleotide variant.
Coding change: c.5165A>T on transcript NM_001378454.1 (MANE Select); coding-DNA position 5165, A replaced by T.
Protein change: p.Tyr1722Phe; replaces tyrosine 1722 with phenylalanine.
Molecular consequence: missense variant.
Genome position (GRCh38, 1-based): chr2:73,451,692, A>T. VCF-style: chr2-73451692-A-T. GRCh37 (hg19) VCF-style: chr2-73678819-A-T.
Other names: c.5168A>T, p.Tyr1723Phe (NM_015120.4); short protein forms Y1723F, Y1722F.
Identifiers: ClinVar variation 1977449 (VCV001977449.5), dbSNP rs1671943612, ClinGen allele CA347280215.

ClinVar aggregate classification (germline): Uncertain significance (1 of 4 stars; one submission).

Conditions:
Alstrom syndrome (ALMS). Identifiers: Orphanet 64, MedGen C0268425, MONDO:0008763, OMIM 203800.

Submission:

Labcorp Genetics (formerly Invitae), Labcorp
Classification: Uncertain significance for Alstrom syndrome. Last evaluated: 2022-01-21. Review status: criteria provided, single submitter. Criteria: Invitae Variant Classification Sherloc (09022015). Collection method: clinical testing. Allele origin: germline.
Comment: In summary, the available evidence is currently insufficient to determine the role of this variant in disease. Therefore, it has been classified as a Variant of Uncertain Significance. Experimental studies and prediction algorithms are not available or were not evaluated, and the functional significance of this variant is currently unknown. This variant has not been reported in the literature in individuals affected with ALMS1-related conditions. This variant is not present in population databases (gnomAD no frequency). This sequence change replaces tyrosine, which is neutral and polar, with phenylalanine, which is neutral and non-polar, at codon 1723 of the ALMS1 protein (p.Tyr1723Phe).